The following is an entry in ClinVar:

ClinVar aggregate classification (germline): Uncertain significance (1 of 4 stars; one submission).

Conditions:
Inborn genetic diseases. Identifiers: MedGen C0950123, MeSH D030342.

Allele frequency attached by ClinVar (database versions not stated): ExAC 0.00002.
gnomAD v4.1: 6 of 1,613,658 alleles (0.00037%); highest among the groups gnomAD compares: Non-Finnish European, 0.00051%; no homozygotes.

Submission:

Ambry Genetics
Classification: Uncertain significance for Inborn genetic diseases. Last evaluated: 2022-08-07. Review status: criteria provided, single submitter. Criteria: Ambry Variant Classification Scheme 2023. Collection method: clinical testing. Allele origin: germline.
Comment: The p.I595M variant (also known as c.1785C>G), located in coding exon 19 of the ERCC2 gene, results from a C to G substitution at nucleotide position 1785. The isoleucine at codon 595 is replaced by methionine, an amino acid with highly similar properties. This amino acid position is conserved. In addition, the in silico prediction for this alteration is inconclusive. Since supporting evidence is limited at this time, the clinical significance of this alteration remains unclear.

NM_000400.4(ERCC2):c.1785C>G (p.Ile595Met)

Gene: ERCC2 (ERCC excision repair 2, TFIIH core complex helicase subunit; minus strand). Cytogenetic location: 19q13.32.
Variant type: single nucleotide variant.
Coding change: c.1785C>G on transcript NM_000400.4 (MANE Select); coding-DNA position 1785, C replaced by G.
Protein change: p.Ile595Met; replaces isoleucine 595 with methionine.
Molecular consequence: missense variant.
Genome position (GRCh38, 1-based): chr19:45,353,129, G>C on the plus strand (C>G on the coding strand, the complement: ERCC2 is on the minus strand). VCF-style: chr19-45353129-G-C. GRCh37 (hg19) VCF-style: chr19-45856387-G-C.
Other names: short protein forms I595M.
Identifiers: ClinVar variation 1780074 (VCV001780074.2), dbSNP rs750755806, ClinGen allele CA9513079.